The following is an entry in ClinVar:

NM_001291303.3(FAT4):c.8896A>G (p.Ile2966Val)

Gene: FAT4 (FAT atypical cadherin 4; plus strand). Cytogenetic location: 4q28.1.
Variant type: single nucleotide variant.
Coding change: c.8896A>G on transcript NM_001291303.3 (MANE Select); coding-DNA position 8896, A replaced by G.
Protein change: p.Ile2966Val; replaces isoleucine 2966 with valine.
Molecular consequence: missense variant.
Genome position (GRCh38, 1-based): chr4:125,449,906, A>G. VCF-style: chr4-125449906-A-G. GRCh37 (hg19) VCF-style: chr4-126371061-A-G.
Other names: c.8896A>G, p.Ile2966Val (NM_001291285.3); c.8890A>G, p.Ile2964Val (NM_024582.6); short protein forms I2966V, I2964V.
Identifiers: ClinVar variation 2100601 (VCV002100601.1), dbSNP rs370193052, ClinGen allele CA104881538.
Genomic context (GRCh38, chr4:125,449,906, plus strand): 5'-GTGAATATCAACAGGCATAGTTTTATAGTGACATCTTCAGATCGAGGTAAACCTTCCTTA[A>G]TTAGTGAGACAACAGTTACCATCAATATAGTGGACAGTAATGACAATGCACCTCAATTTC-3'
Protein context (NP_001278232.1, residues 2956-2976): TSSDRGKPSL[Ile2966Val]SETTVTINIV

ClinVar aggregate classification (germline): Uncertain significance (1 of 4 stars; one submission).

Allele frequency attached by ClinVar (database versions not stated): gnomAD exomes below 0.00001; TOPMed below 0.00001; ESP Exome Variant Server 0.00008.
gnomAD v4.1: 1 of 1,613,944 alleles (0.000062%); highest among the groups gnomAD compares: Non-Finnish European, 0.000085%; no homozygotes.

Submission:

Labcorp Genetics (formerly Invitae), Labcorp
Classification: Uncertain significance. Last evaluated: 2022-06-14. Review status: criteria provided, single submitter. Criteria: Invitae Variant Classification Sherloc (09022015). Collection method: clinical testing. Allele origin: germline.
Comment: This sequence change replaces isoleucine, which is neutral and non-polar, with valine, which is neutral and non-polar, at codon 2964 of the FAT4 protein (p.Ile2964Val). This variant is not present in population databases (gnomAD no frequency). This variant has not been reported in the literature in individuals affected with FAT4-related conditions. Advanced modeling of protein sequence and biophysical properties (such as structural, functional, and spatial information, amino acid conservation, physicochemical variation, residue mobility, and thermodynamic stability) performed at Invitae indicates that this missense variant is not expected to disrupt FAT4 protein function. In summary, the available evidence is currently insufficient to determine the role of this variant in disease. Therefore, it has been classified as a Variant of Uncertain Significance.